The following is an entry in ClinVar:

NM_001267550.2(TTN):c.38311A>G (p.Lys12771Glu)

Gene: TTN (titin; minus strand). Cytogenetic location: 2q31.2.
Variant type: single nucleotide variant.
Coding change: c.38311A>G on transcript NM_001267550.2 (MANE Select); coding-DNA position 38311, A replaced by G.
Protein change: p.Lys12771Glu; replaces lysine 12771 with glutamic acid.
Molecular consequence: missense variant. On other transcripts: intron variant (5).
Genome position (GRCh38, 1-based): chr2:178,654,277, T>C on the plus strand (A>G on the coding strand, the complement: TTN is on the minus strand). VCF-style: chr2-178654277-T-C. GRCh37 (hg19) VCF-style: chr2-179519004-T-C.
Other names: c.38311A>G (LRG_391t1); c.13283-11960A>G (NM_003319.4); c.13859-11960A>G (NM_133437.4); c.13658-11960A>G (NM_133432.3); c.31742-1736A>G (NM_133378.4); c.34523-1736A>G (NM_001256850.1); short protein forms K12771E.
Identifiers: ClinVar variation 413050 (VCV000413050.56), dbSNP rs551811137, ClinGen allele CA1997172.
Genomic context (GRCh38, chr2:178,654,277, plus strand): 5'-GTGGGGCTTCCGGTTTTTTGGGCACAGCCACAGATACTTTCTTTTCAAGTACAACTTCTT[T>C]AGGAGCTTCAGGAACTTTGAAGATATTAGTATCTTTTAGTTAGAAGCTATAAAGGGGGAA-3'
Protein context (NP_001254479.2, residues 12761-12781): APPPKVPEAP[Lys12771Glu]EVVLEKKVSV

ClinVar aggregate classification (germline): Benign/Likely benign. Review status: criteria provided, multiple submitters, no conflicts (2 of 4 stars). 5 submissions from 5 submitters: Benign (1); Likely benign (4). Last evaluated 2025-10-13.

Conditions:
Autosomal recessive limb-girdle muscular dystrophy type 2J (LGMDR10). Also called: MUSCULAR DYSTROPHY, LIMB-GIRDLE, AUTOSOMAL RECESSIVE 10; Limb-girdle muscular dystrophy, type 2J. Identifiers: Orphanet 140922, MedGen C1837342, MONDO:0012127, OMIM 608807.
Dilated cardiomyopathy 1G (CMD1G). Identifiers: Orphanet 154, MedGen C1858763, MONDO:0011400, OMIM 604145.

Allele frequency attached by ClinVar (database versions not stated): gnomAD exomes 0.00008 and 0.00023; 1000 Genomes Project 30x 0.00016; 1000 Genomes Project 0.00020; ExAC 0.00023; gnomAD 0.00084 and 0.00093.
gnomAD v4.1: 256 of 1,598,902 alleles (0.016%); highest among the groups gnomAD compares: African/African-American, 0.25%; 11 homozygotes.

Submissions (5):

Women's Health and Genetics/Laboratory Corporation of America, LabCorp
Classification: Likely benign. Last evaluated: 2025-10-13. Review status: criteria provided, single submitter. Criteria: LabCorp Variant Classification Summary - May 2015. Collection method: clinical testing. Allele origin: germline.
Comment: Variant summary: TTN c.31742-1736A>G is located at a position not widely known to affect splicing. This variant corresponds to c.38311A>G, p.Lys12771Glu in NM_001267550. Consensus agreement among computation tools predict no significant impact on normal splicing. However, these predictions have yet to be confirmed by functional studies. The variant allele was found at a frequency of 0.00023 in 237704 control chromosomes, predominantly at a frequency of 0.0026 within the African or African-American subpopulation in the gnomAD database, including 5 homozygotes. The observed variant frequency within African or African-American control individuals in the gnomAD database exceeds the estimated maximal expected allele frequency for disease-causing variants in TTN. To our knowledge, no occurrence of c.31742-1736A>G in individuals affected with TTN-related conditions and no experimental evidence demonstrating its impact on protein function have been reported. ClinVar contains an entry for this variant (Variation ID: 413050). Based on the evidence outlined above, the variant was classified as likely benign.

Molecular Diagnostic Laboratory for Inherited Cardiovascular Disease, Montreal Heart Institute
Classification: Likely benign. Last evaluated: 2025-04-09. Review status: criteria provided, single submitter. Criteria: ACMG Guidelines, 2015. Collection method: clinical testing. Allele origin: germline. Affected: no.
Comment: BS1;BP1;BP6

Labcorp Genetics (formerly Invitae), Labcorp
Classification: Likely benign for Dilated cardiomyopathy 1G; Autosomal recessive limb-girdle muscular dystrophy type 2J. Last evaluated: 2024-02-19. Review status: criteria provided, single submitter. Criteria: Invitae Variant Classification Sherloc (09022015). Collection method: clinical testing. Allele origin: germline.

CeGaT Center for Human Genetics Tuebingen
Classification: Likely benign. Last evaluated: 2022-05-01. Review status: criteria provided, single submitter. Criteria: CeGaT Center For Human Genetics Tuebingen Variant Classification Criteria Version 2. Collection method: clinical testing. Allele origin: germline. Affected: yes. Observed: 2 variant alleles.
Comment: TTN: BS2

Athena Diagnostics
Classification: Benign. Last evaluated: 2018-07-20. Review status: criteria provided, single submitter. Criteria: Athena Diagnostics Criteria. Collection method: clinical testing. Allele origin: germline.